The following is an entry in ClinVar:

NM_000535.7(PMS2):c.903+10del

Gene: PMS2 (PMS1 homolog 2, mismatch repair system component; minus strand). Cytogenetic location: 7p22.1.
Variant type: Deletion.
Coding change: c.903+10del on transcript NM_000535.7 (MANE Select); 10 bases into the intron after coding-DNA position 903, one base deleted (A; older notation c.903+10delA).
Molecular consequence: intron variant.
Genome position (GRCh38, 1-based): chr7:5,995,524, T deleted on the plus strand (A on the coding strand, the reverse complement: PMS2 is on the minus strand); the first of 4 consecutive T bases (chr7:5,995,524-5,995,527); deleting any one gives the same sequence. VCF-style (leftmost placement, unchanged base first): chr7-5995523-AT-A. GRCh37 (hg19) VCF-style: chr7-6035154-AT-A.
Other names: c.903+10del (NM_001322006.2, NM_001322014.2); c.498+10del (NM_001322009.2, NM_001322005.2, NM_001322010.2 and 2 more transcripts); c.585+10del (NM_001322008.2, NM_001322007.2); c.330+10del (NM_001322013.2); c.-31+10del (NM_001322012.2, NM_001322011.2); c.594+10del (NM_001322015.2).
Identifiers: ClinVar variation 1169690 (VCV001169690.10), dbSNP rs1562663219, ClinGen allele CA572547809.
Genomic context (GRCh38, chr7:5,995,523, plus strand): 5'-TATCAGAAAAAAGTTATCAATTAAAAGTCAAAGGCATAAAGAACAAACTAACACAAAAAA[AT>A]TTTAAATACCTTTGCTGGGTCACAAGGCCGCCGGTTGATAAAGAAAAACTGTCTGTCTGT-3'

ClinVar aggregate classification (germline): Benign/Likely benign. Review status: criteria provided, multiple submitters, no conflicts (2 of 4 stars). 2 submissions from 2 submitters: Benign (1); Likely benign (1). Last evaluated 2025-09-20.

Conditions:
Lynch syndrome 4 (LYNCH4). Also called: Colorectal cancer, hereditary nonpolyposis, type 4; Hereditary non-polyposis colorectal cancer, type 4. Identifiers: Orphanet 144, MedGen C1838333, MONDO:0013699, OMIM 614337. Disease mechanism: loss of function.
Hereditary nonpolyposis colorectal neoplasms. Identifiers: MedGen C0009405, MeSH D003123.

Submissions (2):

Labcorp Genetics (formerly Invitae), Labcorp
Classification: Benign for Hereditary nonpolyposis colorectal neoplasms. Last evaluated: 2025-09-20. Review status: criteria provided, single submitter. Criteria: Invitae Variant Classification Sherloc (09022015). Collection method: clinical testing. Allele origin: germline.

Myriad Genetics, Inc.
Classification: Likely benign for Lynch syndrome 4. Last evaluated: 2025-01-28. Review status: criteria provided, single submitter. Criteria: Myriad Autosomal Dominant, Autosomal Recessive and X-Linked Classification Criteria (2023). Collection method: clinical testing. Allele origin: unknown.
Comment: This variant is considered likely benign. This variant is intronic and is not expected to impact mRNA splicing.